The following is an entry in ClinVar:

NM_206933.4(USH2A):c.3836A>G (p.Tyr1279Cys)

Genes: USH2A (usherin; minus strand), USH2A-AS1 (USH2A antisense RNA 1; plus strand). Cytogenetic location: 1q41.
Variant type: single nucleotide variant.
Coding change: c.3836A>G on transcript NM_206933.4 (MANE Select); coding-DNA position 3836, A replaced by G.
Protein change: p.Tyr1279Cys; replaces tyrosine 1279 with cysteine.
Molecular consequence: missense variant.
Genome position (GRCh38, 1-based): chr1:216,198,560, T>C on the plus strand (A>G on the coding strand, the complement: USH2A is on the minus strand). VCF-style: chr1-216198560-T-C. GRCh37 (hg19) VCF-style: chr1-216371902-T-C.
Other names: c.3836A>G, p.Tyr1279Cys (NM_007123.6); c.3836A>G (NM_206933.2); short protein forms Y1279C.
Identifiers: ClinVar variation 2151003 (VCV002151003.24), dbSNP rs755534646, ClinGen allele CA1395891.

ClinVar aggregate classification (germline): Uncertain significance. Review status: criteria provided, multiple submitters, no conflicts (2 of 4 stars). 3 submissions from 3 submitters: Uncertain significance (3). Last evaluated 2024-02-01.

Conditions:
Inborn genetic diseases. Identifiers: MedGen C0950123, MeSH D030342.

Allele frequency attached by ClinVar (database versions not stated): gnomAD exomes 0.00001; TOPMed 0.00001; ExAC 0.00002.
gnomAD v4.1: 24 of 1,613,470 alleles (0.0015%); highest among the groups gnomAD compares: Admixed American, 0.0033%; no homozygotes.

Submissions (3):

CeGaT Center for Human Genetics Tuebingen
Classification: Uncertain significance. Last evaluated: 2024-02-01. Review status: criteria provided, single submitter. Criteria: CeGaT Center For Human Genetics Tuebingen Variant Classification Criteria Version 2. Collection method: clinical testing. Allele origin: germline. Affected: yes. Observed: 1 variant allele.
Comment: USH2A: PM2, BP4

Ambry Genetics
Classification: Uncertain significance for Inborn genetic diseases. Last evaluated: 2023-11-22. Review status: criteria provided, single submitter. Criteria: Ambry Variant Classification Scheme 2023. Collection method: clinical testing. Allele origin: germline.

Labcorp Genetics (formerly Invitae), Labcorp
Classification: Uncertain significance. Last evaluated: 2022-07-04. Review status: criteria provided, single submitter. Criteria: Invitae Variant Classification Sherloc (09022015). Collection method: clinical testing. Allele origin: germline.
Comment: This sequence change replaces tyrosine, which is neutral and polar, with cysteine, which is neutral and slightly polar, at codon 1279 of the USH2A protein (p.Tyr1279Cys). This variant is present in population databases (rs755534646, gnomAD 0.006%). This variant has not been reported in the literature in individuals affected with USH2A-related conditions. Algorithms developed to predict the effect of missense changes on protein structure and function are either unavailable or do not agree on the potential impact of this missense change (SIFT: "Deleterious"; PolyPhen-2: "Probably Damaging"; Align-GVGD: "Class C0"). In summary, the available evidence is currently insufficient to determine the role of this variant in disease. Therefore, it has been classified as a Variant of Uncertain Significance.